The following is an entry in ClinVar:

ClinVar aggregate classification (germline): Uncertain significance (1 of 4 stars; one submission).

Allele frequency attached by ClinVar (database versions not stated): TOPMed 0.00001; gnomAD exomes 0.00002; ExAC 0.00006.
gnomAD v4.1: 10 of 1,575,076 alleles (0.00063%); highest among the groups gnomAD compares: Non-Finnish European, 0.00086%; no homozygotes.

Submission:

Labcorp Genetics (formerly Invitae), Labcorp
Classification: Uncertain significance. Last evaluated: 2024-10-02. Review status: criteria provided, single submitter. Criteria: Invitae Variant Classification Sherloc (09022015). Collection method: clinical testing. Allele origin: germline.
Comment: This sequence change replaces glutamic acid, which is acidic and polar, with alanine, which is neutral and non-polar, at codon 15 of the ARIH1 protein (p.Glu15Ala). This variant is present in population databases (rs779981165, gnomAD 0.004%). This variant has not been reported in the literature in individuals affected with ARIH1-related conditions. ClinVar contains an entry for this variant (Variation ID: 1488407). Experimental studies and prediction algorithms are not available or were not evaluated, and the functional significance of this variant is currently unknown. In summary, the available evidence is currently insufficient to determine the role of this variant in disease. Therefore, it has been classified as a Variant of Uncertain Significance.

NM_005744.5(ARIH1):c.44A>C (p.Glu15Ala)

Genes: ARIH1 (ariadne RBR E3 ubiquitin protein ligase 1; plus strand), LOC130057478 (ATAC-STARR-seq lymphoblastoid silent region 6624; plus strand). Cytogenetic location: 15q24.1.
Variant type: single nucleotide variant.
Coding change: c.44A>C on transcript NM_005744.5 (MANE Select); coding-DNA position 44, A replaced by C.
Protein change: p.Glu15Ala; replaces glutamic acid 15 with alanine.
Molecular consequence: missense variant.
Genome position (GRCh38, 1-based): chr15:72,474,683, A>C. VCF-style: chr15-72474683-A-C. GRCh37 (hg19) VCF-style: chr15-72767024-A-C.
Other names: short protein forms E15A.
Identifiers: ClinVar variation 1488407 (VCV001488407.8), dbSNP rs779981165, ClinGen allele CA7645407.